The following is an entry in ClinVar:

NM_001278116.2(L1CAM):c.22G>T (p.Val8Leu)

Gene: L1CAM (L1 cell adhesion molecule; minus strand). Cytogenetic location: Xq28.
Variant type: single nucleotide variant.
Coding change: c.22G>T on transcript NM_001278116.2 (MANE Select); coding-DNA position 22, G replaced by T.
Protein change: p.Val8Leu; replaces valine 8 with leucine.
Molecular consequence: missense variant.
Genome position (GRCh38, 1-based): chrX:153,875,815, C>A on the plus strand (G>T on the coding strand, the complement: L1CAM is on the minus strand). VCF-style: chrX-153875815-C-A. GRCh37 (hg19) VCF-style: chrX-153141270-C-A.
Other names: c.22G>T, p.Val8Leu (NM_000425.5, NM_001143963.2, NM_024003.3); short protein forms V8L.
Identifiers: ClinVar variation 3602531 (VCV003602531.3).

ClinVar aggregate classification (germline): Uncertain significance. Review status: criteria provided, multiple submitters, no conflicts (2 of 4 stars). 2 submissions from 2 submitters: Uncertain significance (2). Last evaluated 2025-03-25.

Conditions:
Spastic paraplegia. Identifiers: MedGen C0037772, HP:0001258.

gnomAD v4.1: 1 of 1,209,520 alleles (0.000083%); highest among the groups gnomAD compares: Non-Finnish European, 0.00011%; no homozygotes.

Submissions (2):

Labcorp Genetics (formerly Invitae), Labcorp
Classification: Uncertain significance for Spastic paraplegia. Last evaluated: 2025-03-25. Review status: criteria provided, single submitter. Criteria: Invitae Variant Classification Sherloc (09022015). Collection method: clinical testing. Allele origin: germline.
Comment: This sequence change replaces valine, which is neutral and non-polar, with leucine, which is neutral and non-polar, at codon 8 of the L1CAM protein (p.Val8Leu). This variant is not present in population databases (gnomAD no frequency). This variant has not been reported in the literature in individuals affected with L1CAM-related conditions. Invitae Evidence Modeling of protein sequence and biophysical properties (such as structural, functional, and spatial information, amino acid conservation, physicochemical variation, residue mobility, and thermodynamic stability) indicates that this missense variant is not expected to disrupt L1CAM protein function with a negative predictive value of 95%. In summary, the available evidence is currently insufficient to determine the role of this variant in disease. Therefore, it has been classified as a Variant of Uncertain Significance.

GeneDx
Classification: Uncertain significance. Last evaluated: 2024-07-30. Review status: criteria provided, single submitter. Criteria: GeneDx Variant Classification Process June 2021. Collection method: clinical testing. Allele origin: germline. Affected: yes.
Comment: Not observed at significant frequency in large population cohorts (gnomAD); In silico analysis indicates that this missense variant does not alter protein structure/function; Has not been previously published as pathogenic or benign to our knowledge